The following is an entry in ClinVar:

ClinVar aggregate classification (germline): Likely benign (1 of 4 stars; one submission).

Allele frequency attached by ClinVar (database versions not stated): ESP Exome Variant Server 0.00008; 1000 Genomes Project 30x 0.00047; 1000 Genomes Project 0.00060.
gnomAD v4.1: 221 of 1,614,132 alleles (0.014%); highest among the groups gnomAD compares: South Asian, 0.23%; 3 homozygotes.

Submission:

CeGaT Center for Human Genetics Tuebingen
Classification: Likely benign. Last evaluated: 2023-08-01. Review status: criteria provided, single submitter. Criteria: CeGaT Center For Human Genetics Tuebingen Variant Classification Criteria Version 2. Collection method: clinical testing. Allele origin: germline. Affected: yes. Observed: 1 variant allele.
Comment: NRAP: BP4

NM_198060.4(NRAP):c.4676G>C (p.Arg1559Pro)

Gene: NRAP (nebulin related anchoring protein; minus strand). Cytogenetic location: 10q25.3.
Variant type: single nucleotide variant.
Coding change: c.4676G>C on transcript NM_198060.4 (MANE Select); coding-DNA position 4676, G replaced by C.
Protein change: p.Arg1559Pro; replaces arginine 1559 with proline.
Molecular consequence: missense variant.
Genome position (GRCh38, 1-based): chr10:113,590,858, C>G on the plus strand (G>C on the coding strand, the complement: NRAP is on the minus strand). VCF-style: chr10-113590858-C-G. GRCh37 (hg19) VCF-style: chr10-115350617-C-G.
Other names: c.4676G>C, p.Arg1559Pro (NM_001261463.2); c.4568G>C, p.Arg1523Pro (NM_001322945.2); c.4571G>C, p.Arg1524Pro (NM_006175.5); short protein forms R1523P, R1524P, R1559P.
Identifiers: ClinVar variation 2640847 (VCV002640847.24), dbSNP rs371557701, ClinGen allele CA5694318.